The following is an entry in ClinVar:

ClinVar aggregate classification (germline): Uncertain significance (1 of 4 stars; one submission).

Conditions:
Global developmental delay with or without impaired intellectual development. Identifiers: MedGen C5193032, MONDO:0032680, OMIM 618330.

Allele frequency attached by ClinVar (database versions not stated): gnomAD exomes below 0.00001.
gnomAD v4.1: 2 of 1,612,646 alleles (0.00012%); highest among the groups gnomAD compares: African/African-American, 0.0013%; no homozygotes.

Submission:

Neuberg Centre For Genomic Medicine, NCGM
Classification: Uncertain significance for Global developmental delay with or without impaired intellectual development. Review status: criteria provided, single submitter. Criteria: ACMG Guidelines, 2015. Collection method: clinical testing. Allele origin: germline. Inheritance: Autosomal dominant inheritance. Affected: yes.
Comment: The missense variant c.1178A>G (p.Glu393Gly) in CUX1 gene has not been reported previously as a pathogenic variant nor as a benign variant, to our knowledge. The p.Glu393Gly variant is novel (not in any individuals) in gnomAD Exomes and 1000 Genomes. The amino acid Glu at position 393 is changed to a Gly changing protein sequence and it might alter its composition and physico-chemical properties. The variant is predicted to be damaging by both SIFT and PolyPhen2. The residue is conserved across species. The amino acid change p.Glu393Gly in CUX1 is predicted as conserved by GERP++ and PhyloP across 100 vertebrates. For these reasons, this variant has been classified as Variant of Uncertain Significance (VUS).

NM_181552.4(CUX1):c.1145A>G (p.Glu382Gly)

Gene: CUX1 (cut like homeobox 1; plus strand). Cytogenetic location: 7q22.1.
Variant type: single nucleotide variant.
Coding change: c.1145A>G on transcript NM_181552.4 (MANE Select); coding-DNA position 1145, A replaced by G.
Protein change: p.Glu382Gly; replaces glutamic acid 382 with glycine.
Molecular consequence: missense variant.
Genome position (GRCh38, 1-based): chr7:102,195,526, A>G. VCF-style: chr7-102195526-A-G. GRCh37 (hg19) VCF-style: chr7-101838806-A-G.
Other names: c.1178A>G, p.Glu393Gly (NM_001202543.2, NM_001913.5); c.1130A>G, p.Glu377Gly (NM_001202544.3); c.1040A>G, p.Glu347Gly (NM_001202545.3); c.1061A>G, p.Glu354Gly (NM_001202546.3); c.1172A>G, p.Glu391Gly (NM_181500.4); short protein forms E347G, E391G, E382G, E393G, E354G, E377G.
Identifiers: ClinVar variation 2585210 (VCV002585210.1), dbSNP rs2485298743, ClinGen allele CA368672636.